The following is an entry in ClinVar:

NM_020297.4(ABCC9):c.3076A>G (p.Asn1026Asp)

Gene: ABCC9 (ATP binding cassette subfamily C member 9; minus strand). Cytogenetic location: 12p12.1.
Variant type: single nucleotide variant.
Coding change: c.3076A>G on transcript NM_020297.4 (MANE Select); coding-DNA position 3076, A replaced by G.
Protein change: p.Asn1026Asp; replaces asparagine 1026 with aspartic acid.
Molecular consequence: missense variant.
Genome position (GRCh38, 1-based): chr12:21,845,623, T>C on the plus strand (A>G on the coding strand, the complement: ABCC9 is on the minus strand). VCF-style: chr12-21845623-T-C. GRCh37 (hg19) VCF-style: chr12-21998557-T-C.
Other names: c.3076A>G, p.Asn1026Asp (NM_001377273.1, NM_005691.4); c.2209A>G, p.Asn737Asp (NM_001377274.1); c.3076A>G (NM_005691.3); short protein forms N1026D, N737D.
Identifiers: ClinVar variation 263571 (VCV000263571.4), dbSNP rs369389402, ClinGen allele CA6481222.

ClinVar aggregate classification (germline): Uncertain significance. Review status: criteria provided, multiple submitters, no conflicts (2 of 4 stars). 2 submissions from 2 submitters: Uncertain significance (2). Last evaluated 2023-04-09.

Conditions:
Cardiovascular phenotype. Identifiers: MedGen CN230736.

Allele frequency attached by ClinVar (database versions not stated): gnomAD exomes below 0.00001; TOPMed below 0.00001; ExAC 0.00001; ESP Exome Variant Server 0.00008.
gnomAD v4.1: 2 of 1,613,476 alleles (0.00012%); highest among the groups gnomAD compares: Non-Finnish European, 0.00017%; no homozygotes.

Submissions (2):

Women's Health and Genetics/Laboratory Corporation of America, LabCorp
Classification: Uncertain significance. Last evaluated: 2023-04-09. Review status: criteria provided, single submitter. Criteria: LabCorp Variant Classification Summary - May 2015. Collection method: clinical testing. Allele origin: germline.

Ambry Genetics
Classification: Uncertain significance for Cardiovascular phenotype. Last evaluated: 2013-03-27. Review status: criteria provided, single submitter. Criteria: Ambry Autosomal Dominant and X-Linked criteria (10/2015). Collection method: clinical testing. Allele origin: germline. Observed: 1 variant allele.
Comment: There is insufficient or conflicting evidence for classification of this alteration.